The following is an entry in ClinVar:

ClinVar aggregate classification (germline): Uncertain significance. Review status: criteria provided, multiple submitters, no conflicts (2 of 4 stars). 2 submissions from 2 submitters: Uncertain significance (2). Last evaluated 2025-03-03.

Conditions:
Hereditary spastic paraplegia 48. Also called: SPASTIC PARAPLEGIA 48, AUTOSOMAL RECESSIVE; Spastic paraplegia 48. Identifiers: Orphanet 306511, MedGen C3150901, MONDO:0013342, OMIM 613647.
Inborn genetic diseases. Identifiers: MedGen C0950123, MeSH D030342.

Allele frequency attached by ClinVar (database versions not stated): gnomAD 0.00001; gnomAD exomes 0.00001; TOPMed 0.00005; ExAC 0.00006; 1000 Genomes Project 30x 0.00016.

Submissions (2):

Ambry Genetics
Classification: Uncertain significance for Inborn genetic diseases. Last evaluated: 2025-03-03. Review status: criteria provided, single submitter. Criteria: Ambry Variant Classification Scheme 2023. Collection method: clinical testing. Allele origin: germline.

Labcorp Genetics (formerly Invitae), Labcorp
Classification: Uncertain significance for Hereditary spastic paraplegia 48. Last evaluated: 2024-01-05. Review status: criteria provided, single submitter. Criteria: Invitae Variant Classification Sherloc (09022015). Collection method: clinical testing. Allele origin: germline.
Comment: This sequence change replaces alanine, which is neutral and non-polar, with valine, which is neutral and non-polar, at codon 478 of the AP5Z1 protein (p.Ala478Val). The frequency data for this variant in the population databases is considered unreliable, as metrics indicate poor data quality at this position in the gnomAD database. This variant has not been reported in the literature in individuals affected with AP5Z1-related conditions. ClinVar contains an entry for this variant (Variation ID: 2195349). Advanced modeling of protein sequence and biophysical properties (such as structural, functional, and spatial information, amino acid conservation, physicochemical variation, residue mobility, and thermodynamic stability) performed at Invitae indicates that this missense variant is not expected to disrupt AP5Z1 protein function with a negative predictive value of 80%. In summary, the available evidence is currently insufficient to determine the role of this variant in disease. Therefore, it has been classified as a Variant of Uncertain Significance.

NM_014855.3(AP5Z1):c.1433C>T (p.Ala478Val)

Gene: AP5Z1 (adaptor related protein complex 5 subunit zeta 1; plus strand). Cytogenetic location: 7p22.1.
Variant type: single nucleotide variant.
Coding change: c.1433C>T on transcript NM_014855.3 (MANE Select); coding-DNA position 1433, C replaced by T.
Protein change: p.Ala478Val; replaces alanine 478 with valine.
Molecular consequence: missense variant. On other transcripts: non-coding transcript variant (1).
Genome position (GRCh38, 1-based): chr7:4,787,755, C>T. VCF-style: chr7-4787755-C-T. GRCh37 (hg19) VCF-style: chr7-4827386-C-T.
Other names: c.965C>T, p.Ala322Val (NM_001364858.1); c.1433C>T (NM_014855.2); short protein forms A322V, A478V.
Identifiers: ClinVar variation 2195349 (VCV002195349.5), dbSNP rs200295277, ClinGen allele CA4137804.